The following is an entry in ClinVar:

ClinVar aggregate classification (germline): Likely pathogenic. Review status: reviewed by expert panel (3 of 4 stars). 3 submissions from 3 submitters: Likely pathogenic (1). 2 of the submissions do not count toward it. Last evaluated 2026-11-06.

Conditions:
GUCY2D-related recessive retinopathy. Also called: Recessive GUCY2D retinopathy. Identifiers: MedGen CN305603, MONDO:0100453.

Submissions (3):

ClinGen Leber Congenital Amaurosis/early Onset Retinal Dystrophy Variant Curation Expert Panel, ClinGen
Classification: Likely pathogenic for GUCY2D-related recessive retinopathy. Last evaluated: 2026-11-06. Review status: reviewed by expert panel. Criteria: ClinGen LCAeoRD ACMG Specifications GUCY2D V1.0.0. Collection method: curation. Allele origin: germline. Inheritance: Autosomal recessive inheritance.
Comment: The NM_000180.4(GUCY2D):c.527T>C (p.Leu176Pro) variant is a missense change found in exon 2 which replaces a leucine with a proline at p.176. This variant is absent from gnomAD v4.1.1 (PM2_Supporting). At least one proband harboring this variant exhibits a phenotype including a clinical diagnosis of Leber congenital amaurosis (0.5), absent rod electroretinogram (ERG) responses (0.5), onset between birth and age five years (1), evidence of cone involvement on ERG (1), decreased central visual acuity (1), OCT showed a normal retinal structure is preserved with respect to vision loss (1), decreased peripheral vision (1), decreased central visual acuity (1)and nystagmus (1), which together are highly specific for GUCY2D-related recessive retinopathy (8.0 points, personal communication, PP4_Moderate). This variant has been reported in at least 1 proband with early-onset severe retinal dystrophy who was homozygous for the variant (0.5 point, PMIDs: 37798099, 37644014, 37127645, 26355662, 26112015 ). This variant has been reported in at least 1 proband with early-onset severe retinal dystrophy who was compound heterozygous with NM_000180.4(GUCY2D):c.1052A>G (p.Tyr351Cys), previously classified as Likely Pathogenic, suspected in trans (0.25 points, personal communication). This variant has also been reported in at least 1 proband with early-onset severe retinal dystrophy who was compound heterozygous with the NM_000180.4(GUCY2D):c.560T>C (p.Val187Ala) variant confirmed in trans (0.25 points, personal communication), which has been classified by the ClinGen LCA/eoRD VCEP/ as a variant of uncertain significance (1.0 total point, PM3). The computational predictor REVEL gives a score of 0.718, which is above the ClinGen LCA/eoRD VCEP threshold of ≥0.644 and predicts a damaging effect on RetGC-1 protein function (PP3). In summary, this variant meets the criteria to be classified as Likely Pathogenic for GUCY2D-related recessive retinopathy based on the ACMG/AMP criteria applied, as specified by the ClinGen LCA/eoRD VCEP: PM2_Supporting, PM3, PP4_Moderate, PP3. (VCEP specifications version 1.0.0).

Blueprint Genetics
Classification: Uncertain significance. Last evaluated: 2023-11-16. Review status: criteria provided, single submitter. Criteria: ACMG Guidelines, 2015. Collection method: clinical testing. Allele origin: germline. Not counted in ClinVar's aggregate classification.

Genomic Medicine Center of Excellence, King Faisal Specialist Hospital and Research Centre
Classification: Likely pathogenic. Review status: criteria provided, single submitter. Criteria: ACMG Guidelines, 2015. Collection method: research. Allele origin: germline. Affected: yes. Not counted in ClinVar's aggregate classification.

NM_000180.4(GUCY2D):c.527T>C (p.Leu176Pro)

Gene: GUCY2D (guanylate cyclase 2D, retinal; plus strand). Cytogenetic location: 17p13.1.
Variant type: single nucleotide variant.
Coding change: c.527T>C on transcript NM_000180.4 (MANE Select); coding-DNA position 527, T replaced by C.
Protein change: p.Leu176Pro; replaces leucine 176 with proline.
Molecular consequence: missense variant.
Genome position (GRCh38, 1-based): chr17:8,003,574, T>C. VCF-style: chr17-8003574-T-C. GRCh37 (hg19) VCF-style: chr17-7906892-T-C.
Other names: NM_000180.4(GUCY2D):c.527T>C; p.Leu176Pro; short protein forms L176P.
Identifiers: ClinVar variation 191070 (VCV000191070.3), dbSNP rs786205500, ClinGen allele CA235955.
Genomic context (GRCh38, chr17:8,003,574, plus strand): 5'-AGGCGGAGGGCACCACGGCCCCTGCCGTGACCCCCGCCGCGGATGCCCTCTACGCCCTGC[T>C]TCGCGCATTCGGCTGGGCGCGCGTGGCCCTGGTCACCGCCCCCCAGGACCTGTGGGTGGA-3'
Protein context (NP_000171.1, residues 166-186): TPAADALYAL[Leu176Pro]RAFGWARVAL